The following is an entry in ClinVar:

NM_004364.5(CEBPA):c.151C>G (p.Pro51Ala)

Gene: CEBPA (CCAAT enhancer binding protein alpha; minus strand). Cytogenetic location: 19q13.11.
Variant type: single nucleotide variant.
Coding change: c.151C>G on transcript NM_004364.5 (MANE Select); coding-DNA position 151, C replaced by G.
Protein change: p.Pro51Ala; replaces proline 51 with alanine.
Molecular consequence: missense variant. On other transcripts: 5 prime UTR variant (1).
Genome position (GRCh38, 1-based): chr19:33,302,264, G>C on the plus strand (C>G on the coding strand, the complement: CEBPA is on the minus strand). VCF-style: chr19-33302264-G-C. GRCh37 (hg19) VCF-style: chr19-33793170-G-C.
Other names: c.-207C>G (NM_001285829.2); c.256C>G, p.Pro86Ala (NM_001287424.2); c.109C>G, p.Pro37Ala (NM_001287435.2); c.151C>G (NM_004364.3); short protein forms P51A, P37A, P86A.
Identifiers: ClinVar variation 845500 (VCV000845500.11), dbSNP rs1278513408, ClinGen allele CA405275572.
Genomic context (GRCh38, chr19:33,302,264, plus strand): 5'-CCGGGTCGATGTAGGCGCTGATGTCGATGGACGTCTCGTGCTCGCAGATGCCGCCCAGCG[G>C]CTCCGGGGCGGCAGGTGGGGCGGGAGGCTGCGCGGGGCCCGCGCCCCGGGGAAAGCCGAA-3'
Protein context (NP_004355.2, residues 41-61): QPPAPPAAPE[Pro51Ala]LGGICEHETS

ClinVar aggregate classification (germline): Uncertain significance. Review status: criteria provided, multiple submitters, no conflicts (2 of 4 stars). 2 submissions from 2 submitters: Uncertain significance (2). Last evaluated 2025-04-17.

Conditions:
Acute myeloid leukemia (AML). Also called: Acute myeloid leukemia, adult; AML adult; Acute non-lymphocytic leukemia; Acute granulocytic leukemia; Leukemia, acute myeloid, somatic; Leukemia, acute myelogenous, somatic. Identifiers: Orphanet 519, MedGen C0023467, MeSH D015470, MONDO:0018874, OMIM 601626, HP:0004808. Disease mechanism: Constitutively activated FLT3.
Inborn genetic diseases. Identifiers: MedGen C0950123, MeSH D030342.

Allele frequency attached by ClinVar (database versions not stated): TOPMed below 0.00001.
gnomAD v4.1: 2 of 1,485,822 alleles (0.00013%); highest among the groups gnomAD compares: East Asian, 0.0058%; no homozygotes.

Submissions (2):

Ambry Genetics
Classification: Uncertain significance for Inborn genetic diseases. Last evaluated: 2025-04-17. Review status: criteria provided, single submitter. Criteria: Ambry Variant Classification Scheme 2023. Collection method: clinical testing. Allele origin: germline.
Comment: The p.P51A variant (also known as c.151C>G), located in coding exon 1 of the CEBPA gene, results from a C to G substitution at nucleotide position 151. The proline at codon 51 is replaced by alanine, an amino acid with highly similar properties. This amino acid position is conserved. In addition, this alteration is predicted to be tolerated by in silico analysis. Based on the available evidence, the clinical significance of this variant remains unclear.

Labcorp Genetics (formerly Invitae), Labcorp
Classification: Uncertain significance for Acute myeloid leukemia. Last evaluated: 2023-10-22. Review status: criteria provided, single submitter. Criteria: Invitae Variant Classification Sherloc (09022015). Collection method: clinical testing. Allele origin: germline.
Comment: This sequence change replaces proline, which is neutral and non-polar, with alanine, which is neutral and non-polar, at codon 51 of the CEBPA protein (p.Pro51Ala). This variant is not present in population databases (gnomAD no frequency). This variant has not been reported in the literature in individuals affected with CEBPA-related conditions. ClinVar contains an entry for this variant (Variation ID: 845500). Advanced modeling of protein sequence and biophysical properties (such as structural, functional, and spatial information, amino acid conservation, physicochemical variation, residue mobility, and thermodynamic stability) performed at Invitae indicates that this missense variant is not expected to disrupt CEBPA protein function. In summary, the available evidence is currently insufficient to determine the role of this variant in disease. Therefore, it has been classified as a Variant of Uncertain Significance.